The following is an entry in ClinVar:

NM_007227.3(GPR45):c.696G>C (p.Gln232His)

Gene: GPR45 (G protein-coupled receptor 45; plus strand). Cytogenetic location: 2q12.1.
Variant type: single nucleotide variant.
Coding change: c.696G>C on transcript NM_007227.3 (MANE Select); coding-DNA position 696, G replaced by C.
Protein change: p.Gln232His; replaces glutamine 232 with histidine.
Molecular consequence: missense variant.
Genome position (GRCh38, 1-based): chr2:105,242,554, G>C. VCF-style: chr2-105242554-G-C. GRCh37 (hg19) VCF-style: chr2-105859011-G-C.
Other names: short protein forms Q232H.
Identifiers: ClinVar variation 3683109 (VCV003683109.2).

ClinVar aggregate classification (germline): Uncertain significance (1 of 4 stars; one submission).

Submission:

Labcorp Genetics (formerly Invitae), Labcorp
Classification: Uncertain significance. Last evaluated: 2024-12-19. Review status: criteria provided, single submitter. Criteria: Invitae Variant Classification Sherloc (09022015). Collection method: clinical testing. Allele origin: germline.
Comment: This sequence change replaces glutamine, which is neutral and polar, with histidine, which is basic and polar, at codon 232 of the GPR45 protein (p.Gln232His). This variant is not present in population databases (gnomAD no frequency). This variant has not been reported in the literature in individuals affected with GPR45-related conditions. An algorithm developed to predict the effect of missense changes on protein structure and function outputs the following: PolyPhen-2: "Benign". The histidine amino acid residue is found in multiple mammalian species, which suggests that this missense change does not adversely affect protein function. In summary, the available evidence is currently insufficient to determine the role of this variant in disease. Therefore, it has been classified as a Variant of Uncertain Significance.